The following is an entry in ClinVar:

NM_004817.4(TJP2):c.2330del (p.Asn777fs)

Gene: TJP2 (tight junction protein 2; plus strand). Cytogenetic location: 9q21.11.
Variant type: Deletion.
Coding change: c.2330del on transcript NM_004817.4 (MANE Select); coding-DNA position 2330, one base deleted (A; older notation c.2330delA).
Protein change: p.Asn777fs; shifts the reading frame from asparagine 777.
Molecular consequence: frameshift variant.
Genome position (GRCh38, 1-based): chr9:69,238,764, A deleted; the last of 3 consecutive A bases (chr9:69,238,762-69,238,764); deleting any one gives the same sequence. VCF-style (leftmost placement, unchanged base first): chr9-69238761-TA-T. GRCh37 (hg19) VCF-style: chr9-71853677-TA-T.
Other names: c.2261del, p.Asn754fs (NM_001170414.2, NM_001369871.1); c.2342del, p.Asn781fs (NM_001170415.1, NM_001369874.1, NM_001369875.1); c.2423del, p.Asn808fs (NM_001170416.2); c.2255del, p.Asn752fs (NM_001369870.1); c.2330del, p.Asn777fs (NM_001369872.1, NM_001369873.1, NM_201629.3); short protein forms N808fs, N754fs, N777fs, N781fs, N752fs.
Identifiers: ClinVar variation 4988684 (VCV004988684.1).

ClinVar aggregate classification (germline): Likely pathogenic (1 of 4 stars; one submission).

Conditions:
TJP2-related disorder. Also called: TJP2-related condition.

Submission:

PreventionGenetics, part of Exact Sciences
Classification: Likely pathogenic for TJP2-related condition. Last evaluated: 2026-07-21. Review status: criteria provided, single submitter. Criteria: ACMG Guidelines, 2015. Collection method: clinical testing. Allele origin: germline.
Comment: The TJP2 c.2330delA variant is predicted to result in a frameshift and premature protein termination (p.Asn777Ilefs*3). To our knowledge, this variant has not been reported in the literature or in a large population database (gnomAD), indicating this variant is rare. Frameshift variants in TJP2 are expected to be pathogenic. This variant is interpreted as likely pathogenic.